The following is an entry in ClinVar:

ClinVar aggregate classification (germline): Uncertain significance. Review status: criteria provided, multiple submitters, no conflicts (2 of 4 stars). 2 submissions from 2 submitters: Uncertain significance (2). Last evaluated 2025-08-01.

Conditions:
Gnathodiaphyseal dysplasia (GDD). Also called: GNATHODIAPHYSEAL SCLEROSIS; OSTEOGENESIS IMPERFECTA WITH UNUSUAL SKELETAL LESIONS. Identifiers: Orphanet 53697, MedGen C1833736, MONDO:0008151, OMIM 166260.
Autosomal recessive limb-girdle muscular dystrophy type 2L (LGMDR12). Also called: Limb-girdle muscular dystrophy, type 2L; MUSCULAR DYSTROPHY, LIMB-GIRDLE, AUTOSOMAL RECESSIVE 12; Limb-Girdle Muscular Dystrophy R12 Anoctamin-5-Related (LGMD-R12). Identifiers: Orphanet 206549, MedGen C1969785, MONDO:0012652, OMIM 611307.
Inborn genetic diseases. Identifiers: MedGen C0950123, MeSH D030342.

Allele frequency attached by ClinVar (database versions not stated): ExAC 0.00002.
gnomAD v4.1: 4 of 1,612,750 alleles (0.00025%); highest among the groups gnomAD compares: South Asian, 0.0011%; no homozygotes.

Submissions (2):

Ambry Genetics
Classification: Uncertain significance for Inborn genetic diseases. Last evaluated: 2025-08-01. Review status: criteria provided, single submitter. Criteria: Ambry Variant Classification Scheme 2023. Collection method: clinical testing. Allele origin: germline.

Labcorp Genetics (formerly Invitae), Labcorp
Classification: Uncertain significance for Autosomal recessive limb-girdle muscular dystrophy type 2L; Gnathodiaphyseal dysplasia. Last evaluated: 2023-01-01. Review status: criteria provided, single submitter. Criteria: Invitae Variant Classification Sherloc (09022015). Collection method: clinical testing. Allele origin: germline.
Comment: This variant has not been reported in the literature in individuals affected with ANO5-related conditions. This variant is present in population databases (rs760778866, gnomAD 0.003%). This sequence change replaces lysine, which is basic and polar, with asparagine, which is neutral and polar, at codon 905 of the ANO5 protein (p.Lys905Asn). Advanced modeling of protein sequence and biophysical properties (such as structural, functional, and spatial information, amino acid conservation, physicochemical variation, residue mobility, and thermodynamic stability) performed at Invitae indicates that this missense variant is not expected to disrupt ANO5 protein function. In summary, the available evidence is currently insufficient to determine the role of this variant in disease. Therefore, it has been classified as a Variant of Uncertain Significance.

NM_213599.3(ANO5):c.2715A>C (p.Lys905Asn)

Gene: ANO5 (anoctamin 5; plus strand). Cytogenetic location: 11p14.3.
Variant type: single nucleotide variant.
Coding change: c.2715A>C on transcript NM_213599.3 (MANE Select); coding-DNA position 2715, A replaced by C.
Protein change: p.Lys905Asn; replaces lysine 905 with asparagine.
Molecular consequence: missense variant.
Genome position (GRCh38, 1-based): chr11:22,279,738, A>C. VCF-style: chr11-22279738-A-C. GRCh37 (hg19) VCF-style: chr11-22301284-A-C.
Other names: c.2712A>C, p.Lys904Asn (NM_001142649.2); c.2673A>C, p.Lys891Asn (NM_001410963.1); c.2670A>C, p.Lys890Asn (NM_001410964.1); short protein forms K890N, K904N, K891N, K905N.
Identifiers: ClinVar variation 2946503 (VCV002946503.4), dbSNP rs760778866, ClinGen allele CA5923649.